The following is an entry in ClinVar:

NM_001142800.2(EYS):c.-497C>T

Gene: EYS (EGF-like photoreceptor maintenance factor; minus strand). Cytogenetic location: 6q12.
Variant type: single nucleotide variant.
Coding change: c.-497C>T on transcript NM_001142800.2 (MANE Select); 497 bases upstream of the start codon, C replaced by T.
Molecular consequence: 5 prime UTR variant.
Genome position (GRCh38, 1-based): chr6:65,707,184, G>A on the plus strand (C>T on the coding strand, the complement: EYS is on the minus strand). VCF-style: chr6-65707184-G-A. GRCh37 (hg19) VCF-style: chr6-66417077-G-A.
Other names: c.-497C>T (NM_001142800.1, NM_001142801.2, NM_001292009.2).
Identifiers: ClinVar variation 1036058 (VCV001036058.7), dbSNP rs184368442, ClinGen allele CA140459991.
Genomic context (GRCh38, chr6:65,707,184, plus strand): 5'-GTATAACTTACCCCAACCATTAGCCAAGGAGGCTTGCAACCCTAGGAGGCTTCTGATTAC[G>A]GTTAATGTCTGGACATGCCTAGCGTGTATCACTTTGTTTCTCAGAAGCCTAATCCAATAA-3'

ClinVar aggregate classification (germline): Conflicting classifications of pathogenicity. Review status: criteria provided, conflicting classifications (1 of 4 stars). 3 submissions from 3 submitters: Uncertain significance (1); Likely benign (1). 1 of the submissions does not count toward it. Last evaluated 2025-02-18.

Conditions:
EYS-related disorder. Also called: EYS-related condition.
Retinitis pigmentosa 25 (RP25). Identifiers: Orphanet 791, MedGen C1864446, MONDO:0011272, OMIM 602772.

Allele frequency attached by ClinVar (database versions not stated): 1000 Genomes Project 0.00020; 1000 Genomes Project 30x 0.00031; TOPMed 0.00035.

Submissions (3):

PreventionGenetics, part of Exact Sciences
Classification: Likely benign for EYS-related condition. Last evaluated: 2025-02-18. Review status: criteria provided, single submitter. Criteria: ACMG Guidelines, 2015. Collection method: clinical testing. Allele origin: germline.
Comment: This variant is classified as likely benign based on ACMG/AMP sequence variant interpretation guidelines (Richards et al. 2015 PMID: 25741868, with internal and published modifications).

Labcorp Genetics (formerly Invitae), Labcorp
Classification: Uncertain significance. Last evaluated: 2024-01-19. Review status: criteria provided, single submitter. Criteria: Invitae Variant Classification Sherloc (09022015). Collection method: clinical testing. Allele origin: germline.
Comment: This variant occurs in a non-coding region of the EYS gene. It does not change the encoded amino acid sequence of the EYS protein. This variant is present in population databases (rs184368442, gnomAD 0.03%). This variant has not been reported in the literature in individuals affected with EYS-related conditions. ClinVar contains an entry for this variant (Variation ID: 1036058). Experimental studies and prediction algorithms are not available or were not evaluated, and the functional significance of this variant is currently unknown. In summary, the available evidence is currently insufficient to determine the role of this variant in disease. Therefore, it has been classified as a Variant of Uncertain Significance.

Natera, Inc.
Classification: Uncertain significance for Retinitis pigmentosa type 25. Last evaluated: 2019-11-11. Review status: no assertion criteria provided. Collection method: clinical testing. Allele origin: germline. Not counted in ClinVar's aggregate classification.